The following is an entry in ClinVar:

NM_002439.5(MSH3):c.3214_3218del (p.Asn1071_Val1072insTer)

Gene: MSH3 (mutS homolog 3; plus strand). Cytogenetic location: 5q14.1.
Variant type: Deletion.
Coding change: c.3214_3218del on transcript NM_002439.5 (MANE Select); coding-DNA positions 3214 to 3218, 5 bases deleted (GTGGC; older notation c.3214_3218delGTGGC).
Protein change: p.Asn1071_Val1072insTer.
Molecular consequence: nonsense.
Genome position (GRCh38, 1-based): chr5:80,873,199-80,873,203, GTGGC deleted. VCF-style (leftmost placement, unchanged base first): chr5-80873198-TGTGGC-T. GRCh37 (hg19) VCF-style: chr5-80169017-TGTGGC-T.
Identifiers: ClinVar variation 2762367 (VCV002762367.3), dbSNP rs2478805077, ClinGen allele CA2697546227.

ClinVar aggregate classification (germline): Pathogenic (1 of 4 stars; one submission).

Submission:

Labcorp Genetics (formerly Invitae), Labcorp
Classification: Pathogenic. Last evaluated: 2023-09-21. Review status: criteria provided, single submitter. Criteria: Invitae Variant Classification Sherloc (09022015). Collection method: clinical testing. Allele origin: germline.
Comment: This variant has not been reported in the literature in individuals affected with MSH3-related conditions. For these reasons, this variant has been classified as Pathogenic. This variant is not present in population databases (gnomAD no frequency). This sequence change creates a premature translational stop signal (p.Val1072*) in the MSH3 gene. It is expected to result in an absent or disrupted protein product. Loss-of-function variants in MSH3 are known to be pathogenic (PMID: 27476653, 37402566).

Literature cited by the submitters: PubMed 27476653; PubMed 37402566.